The following is an entry in ClinVar:

ClinVar aggregate classification (germline): Uncertain significance (1 of 4 stars; one submission).

Conditions:
Weaver syndrome (WVS). Also called: Weaver Smith syndrome; Overgrowth syndrome with accelerated skeletal maturation, unusual facies, and camptodactyly. Identifiers: Orphanet 3447, MedGen C0265210, MONDO:0010193, OMIM 277590.

Submission:

Labcorp Genetics (formerly Invitae), Labcorp
Classification: Uncertain significance for Weaver syndrome. Last evaluated: 2023-02-09. Review status: criteria provided, single submitter. Criteria: Invitae Variant Classification Sherloc (09022015). Collection method: clinical testing. Allele origin: germline.
Comment: In summary, the available evidence is currently insufficient to determine the role of this variant in disease. Therefore, it has been classified as a Variant of Uncertain Significance. Advanced modeling of protein sequence and biophysical properties (such as structural, functional, and spatial information, amino acid conservation, physicochemical variation, residue mobility, and thermodynamic stability) performed at Invitae indicates that this missense variant is not expected to disrupt EZH2 protein function. This variant has not been reported in the literature in individuals affected with EZH2-related conditions. This variant is not present in population databases (gnomAD no frequency). This sequence change replaces proline, which is neutral and non-polar, with leucine, which is neutral and non-polar, at codon 215 of the EZH2 protein (p.Pro215Leu).

NM_004456.5(EZH2):c.644C>T (p.Pro215Leu)

Gene: EZH2 (enhancer of zeste 2 polycomb repressive complex 2 subunit; minus strand). Cytogenetic location: 7q36.1.
Variant type: single nucleotide variant.
Coding change: c.644C>T on transcript NM_004456.5 (MANE Select); coding-DNA position 644, C replaced by T.
Protein change: p.Pro215Leu; replaces proline 215 with leucine.
Molecular consequence: missense variant.
Genome position (GRCh38, 1-based): chr7:148,827,248, G>A on the plus strand (C>T on the coding strand, the complement: EZH2 is on the minus strand). VCF-style: chr7-148827248-G-A. GRCh37 (hg19) VCF-style: chr7-148524340-G-A.
Other names: c.644C>T, p.Pro215Leu (NM_001203247.2); c.617C>T, p.Pro206Leu (NM_001203248.2, NM_001203249.2); c.527C>T, p.Pro176Leu (NM_152998.3); short protein forms P176L, P215L, P206L.
Identifiers: ClinVar variation 3010615 (VCV003010615.3), dbSNP rs2537076178, ClinGen allele CA369719834.
Genomic context (GRCh38, chr7:148,827,248, plus strand): 5'-CCCTTATCTGGAAACATTGAGGAAATGGCTTCAAAAATTTTATCAGAAGGAAATTTCCGA[G>A]GTGGGCGGCTTTCTTTATCTAAACAGGAGAATATGAAAGGAAAAAAAGAATGGAAGTAAA-3'
Protein context (NP_004447.2, residues 205-225): DHRDDKESRP[Pro215Leu]RKFPSDKIFE